The following is an entry in ClinVar:

ClinVar aggregate classification (germline): Uncertain significance (1 of 4 stars; one submission).

Conditions:
Focal segmental glomerulosclerosis 5 (FSGS5). Identifiers: Orphanet 656, MedGen C2750475, MONDO:0013191, OMIM 613237.
Charcot-Marie-Tooth disease dominant intermediate E. Also called: CHARCOT-MARIE-TOOTH NEUROPATHY WITH FOCAL SEGMENTAL GLOMERULONEPHRITIS. Identifiers: Orphanet 93114, MedGen C4302667, MONDO:0013758, OMIM 614455.

Submission:

Labcorp Genetics (formerly Invitae), Labcorp
Classification: Uncertain significance for Charcot-Marie-Tooth disease dominant intermediate E; Focal segmental glomerulosclerosis 5. Last evaluated: 2025-05-19. Review status: criteria provided, single submitter. Criteria: Invitae Variant Classification Sherloc (09022015). Collection method: clinical testing. Allele origin: germline.
Comment: This sequence change replaces cysteine, which is neutral and slightly polar, with arginine, which is basic and polar, at codon 745 of the INF2 protein (p.Cys745Arg). This variant is not present in population databases (gnomAD no frequency). This variant has not been reported in the literature in individuals affected with INF2-related conditions. Invitae Evidence Modeling of protein sequence and biophysical properties (such as structural, functional, and spatial information, amino acid conservation, physicochemical variation, residue mobility, and thermodynamic stability) has been performed for this missense variant. However, the output from this modeling did not meet the statistical confidence thresholds required to predict the impact of this variant on INF2 protein function. In summary, the available evidence is currently insufficient to determine the role of this variant in disease. Therefore, it has been classified as a Variant of Uncertain Significance.

NM_022489.4(INF2):c.2233T>C (p.Cys745Arg)

Gene: INF2 (inverted formin 2; plus strand). Cytogenetic location: 14q32.33.
Variant type: single nucleotide variant.
Coding change: c.2233T>C on transcript NM_022489.4 (MANE Select); coding-DNA position 2233, T replaced by C.
Protein change: p.Cys745Arg; replaces cysteine 745 with arginine.
Molecular consequence: missense variant. On other transcripts: non-coding transcript variant (1).
Genome position (GRCh38, 1-based): chr14:104,710,182, T>C. VCF-style: chr14-104710182-T-C. GRCh37 (hg19) VCF-style: chr14-105176519-T-C.
Other names: c.2233T>C, p.Cys745Arg (NM_001031714.4, NM_001426862.1, NM_001426863.1 and 2 more transcripts); short protein forms C745R.
Identifiers: ClinVar variation 4789557 (VCV004789557.1).